The following is an entry in ClinVar:

NM_033100.4(CDHR1):c.159C>T (p.His53=)

Gene: CDHR1 (cadherin related family member 1; plus strand). Cytogenetic location: 10q23.1.
Variant type: single nucleotide variant.
Coding change: c.159C>T on transcript NM_033100.4 (MANE Select); coding-DNA position 159, C replaced by T.
Protein change: p.His53=; no amino-acid change (histidine 53 retained).
Molecular consequence: synonymous variant.
Genome position (GRCh38, 1-based): chr10:84,196,512, C>T. VCF-style: chr10-84196512-C-T. GRCh37 (hg19) VCF-style: chr10-85956268-C-T.
Other names: c.159C>T, p.His53= (NM_001171971.3).
Identifiers: ClinVar variation 301213 (VCV000301213.15), dbSNP rs12781048, ClinGen allele CA5579450.

ClinVar aggregate classification (germline): Likely benign. Review status: criteria provided, multiple submitters, no conflicts (2 of 4 stars). 3 submissions from 3 submitters: Likely benign (2). 1 of the submissions does not count toward it. Last evaluated 2025-12-22.

Conditions:
CDHR1-related disorder. Also called: CDHR1-related condition.

Allele frequency attached by ClinVar (database versions not stated): TOPMed 0.00018.
gnomAD v4.1: 110 of 1,614,054 alleles (0.0068%); highest among the groups gnomAD compares: African/African-American, 0.057%; 1 homozygote.

Submissions (3):

Labcorp Genetics (formerly Invitae), Labcorp
Classification: Likely benign. Last evaluated: 2025-12-22. Review status: criteria provided, single submitter. Criteria: Invitae Variant Classification Sherloc (09022015). Collection method: clinical testing. Allele origin: germline.

Blueprint Genetics
Classification: Likely benign. Last evaluated: 2024-09-05. Review status: criteria provided, single submitter. Criteria: ACMG Guidelines, 2015. Collection method: clinical testing. Allele origin: germline.

PreventionGenetics, part of Exact Sciences
Classification: Likely benign for CDHR1-related condition. Last evaluated: 2019-09-25. Review status: no assertion criteria provided. Collection method: clinical testing. Allele origin: germline. Not counted in ClinVar's aggregate classification.
Comment: This variant is classified as likely benign based on ACMG/AMP sequence variant interpretation guidelines (Richards et al. 2015 PMID: 25741868, with internal and published modifications).